The following is an entry in ClinVar:

ClinVar aggregate classification (germline): Benign. Review status: criteria provided, single submitter (1 of 4 stars). 2 submissions from 2 submitters: Benign (1). 1 of the submissions does not count toward it. Last evaluated 2017-03-03.

Conditions:
KCNT1-related disorder. Also called: KCNT1-related condition.

Submissions (2):

Eurofins Ntd Llc (ga)
Classification: Benign. Last evaluated: 2017-03-03. Review status: criteria provided, single submitter. Criteria: EGL Classification Definitions 2015. Collection method: clinical testing. Allele origin: germline. Observed: 20 variant alleles, 7 heterozygotes, 13 homozygotes.

PreventionGenetics, part of Exact Sciences
Classification: Benign for KCNT1-related condition. Last evaluated: 2021-02-12. Review status: no assertion criteria provided. Collection method: clinical testing. Allele origin: germline. Not counted in ClinVar's aggregate classification.
Comment: This variant is classified as benign based on ACMG/AMP sequence variant interpretation guidelines (Richards et al. 2015 PMID: 25741868, with internal and published modifications).

NM_020822.3(KCNT1):c.2944-52CTCC[10]

Gene: KCNT1 (potassium sodium-activated channel subfamily T member 1; plus strand). Cytogenetic location: 9q34.3.
Variant type: Microsatellite.
Coding change: c.2944-52CTCC[10] on transcript NM_020822.3 (MANE Select); ten copies in a row of the 4-base unit CTCC starting at c.2944-52.
Molecular consequence: intron variant.
Genome position: GRCh38 VCF-style: chr9-135784482-GCTCC-G. GRCh37 (hg19) VCF-style: chr9-138676328-GCTCC-G.
Other names: c.2809-52CTCC[10] (NM_001272003.2); c.2944-10_2944-7delCCCT (NM_020822.2).
Identifiers: ClinVar variation 195984 (VCV000195984.7), dbSNP rs55843930, ClinGen allele CA202070.
Genomic context (GRCh38, chr9:135,784,482, plus strand): 5'-GCCCGTGGCCGGTGGGGTATGGACCTGTGTCCCACGCCCGTGCCCGCGTGCCTCACTGTG[GCTCC>G]CTCCCTCCCTCCCTCCCTCCCTCCCTCCCTCCCTCCCTCCCTGGCCAGTCCTTCGTGAAG-3'